The following is an entry in ClinVar:

ClinVar aggregate classification (germline): Uncertain significance (1 of 4 stars; one submission).

Conditions:
Inborn genetic diseases. Identifiers: MedGen C0950123, MeSH D030342.

gnomAD v4.1: 2 of 1,614,136 alleles (0.00012%); highest among the groups gnomAD compares: Admixed American, 0.0033%; no homozygotes.

Submission:

Ambry Genetics
Classification: Uncertain significance for Inborn genetic diseases. Last evaluated: 2026-05-26. Review status: criteria provided, single submitter. Criteria: Ambry Variant Classification Scheme 2023. Collection method: clinical testing. Allele origin: germline.
Comment: The p.V144L variant (also known as c.430G>C), located in coding exon 3 of the HAX1 gene, results from a G to C substitution at nucleotide position 430. The valine at codon 144 is replaced by leucine, an amino acid with highly similar properties. This amino acid position is conserved. In addition, this alteration is predicted to be tolerated by in silico analysis. Based on the available evidence, the clinical significance of this variant remains unclear.

NM_006118.4(HAX1):c.430G>C (p.Val144Leu)

Gene: HAX1 (HCLS1 associated protein X-1; plus strand). Cytogenetic location: 1q21.3.
Variant type: single nucleotide variant.
Coding change: c.430G>C on transcript NM_006118.4 (MANE Select); coding-DNA position 430, G replaced by C.
Protein change: p.Val144Leu; replaces valine 144 with leucine.
Molecular consequence: missense variant.
Genome position (GRCh38, 1-based): chr1:154,273,887, G>C. VCF-style: chr1-154273887-G-C. GRCh37 (hg19) VCF-style: chr1-154246363-G-C.
Other names: c.286G>C, p.Val96Leu (NM_001018837.2); short protein forms V144L, V96L.
Identifiers: ClinVar variation 4858285 (VCV004858285.1).